The following continues an entry in ClinVar:

NM_000535.7(PMS2):c.1738A>T (p.Lys580Ter)

Gene: PMS2. ClinVar aggregate classification (germline): Pathogenic. Pathogenic (1).

Submissions 9 to 13 of 13:

Ambry Genetics
Classification: Pathogenic for Hereditary cancer-predisposing syndrome. Last evaluated: 2023-10-10. Review status: criteria provided, single submitter. Criteria: Ambry Variant Classification Scheme 2023. Collection method: clinical testing. Allele origin: germline. Not counted in ClinVar's aggregate classification.
Comment: The p.K580* pathogenic mutation (also known as c.1738A>T), located in coding exon 11 of the PMS2 gene, results from an A to T substitution at nucleotide position 1738. This changes the amino acid from a lysine to a stop codon within coding exon 11. This variant is considered to be rare based on population cohorts in the Genome Aggregation Database (gnomAD). In addition to the clinical data presented in the literature, this alteration is expected to result in loss of function by premature protein truncation or nonsense-mediated mRNA decay. As such, this alteration is interpreted as a disease-causing mutation.

Myriad Genetics, Inc.
Classification: Pathogenic for Lynch syndrome 4. Last evaluated: 2023-09-20. Review status: criteria provided, single submitter. Criteria: Myriad Autosomal Dominant, Autosomal Recessive and X-Linked Classification Criteria (2023). Collection method: clinical testing. Allele origin: unknown. Not counted in ClinVar's aggregate classification.
Comment: This variant is considered pathogenic. This variant creates a termination codon and is predicted to result in premature protein truncation.

Women's Health and Genetics/Laboratory Corporation of America, LabCorp
Classification: Pathogenic for Hereditary nonpolyposis colon cancer. Last evaluated: 2022-10-10. Review status: criteria provided, single submitter. Criteria: LabCorp Variant Classification Summary - May 2015. Collection method: clinical testing. Allele origin: germline. Not counted in ClinVar's aggregate classification.
Comment: Variant summary: PMS2 c.1738A>T (p.Lys580X) results in a premature termination codon, predicted to cause a truncation of the encoded protein or absence of the protein due to nonsense mediated decay, which are commonly known mechanisms for disease. Truncations downstream of this position have been classified as pathogenic by our laboratory. The variant was absent in 251348 control chromosomes (gnomAD). c.1738A>T has been reported in the literature in multiple individuals affected with colorectal cancer, including cases where the tumor was confirmed to have high microsatellite instability (MSI-H) and/or absent PMS2 by immunohistochemistry (e.g. Senter_2008, Epenschied_2017, Gong_2019, Wang_2020) and in a compound heterozygous individual with constitutional mismatch repair deficiency (Okkels_2019). These data indicate that the variant is very likely to be associated with disease. To our knowledge, no experimental evidence demonstrating an impact on protein function has been reported. Four clinical diagnostic laboratories have submitted clinical-significance assessments for this variant to ClinVar after 2014 and all classified the variant as pathogenic. Based on the evidence outlined above, the variant was classified as pathogenic.

Department of Pathology and Laboratory Medicine, Sinai Health System
Classification: Pathogenic for Lynch syndrome 4. Last evaluated: 2021-07-22. Review status: criteria provided, single submitter. Criteria: ACMG Guidelines, 2015. Collection method: clinical testing. Allele origin: germline. Affected: yes. Not counted in ClinVar's aggregate classification.

Juno Genomics, Hangzhou Juno Genomics, Inc
Classification: Pathogenic for Lynch syndrome 4. Review status: criteria provided, single submitter. Criteria: ACMG Guidelines, 2015. Collection method: clinical testing. Allele origin: germline. Not counted in ClinVar's aggregate classification.
Comment: Absent from controls (or at extremely low frequency if recessive) in Genome Aggregation Database.;Null variant in a gene where loss of function (LOF) is a known mechanism of disease.;Patient's phenotype or family history is highly specific for a disease with a single genetic etiology.

Literature cited by the submitters: PubMed 25856668 (cited by Victorian Clinical Genetics Services, Murdoch Childrens Research Institute); PubMed 21376568 (cited by Labcorp Genetics (formerly Invitae), Labcorp); PubMed 24362816 (cited by Labcorp Genetics (formerly Invitae), Labcorp); PubMed 18602922 (cited by 6 submitters); PubMed 31992580 (cited by 3 submitters); PubMed 28514183 (cited by Quest Diagnostics Nichols Institute San Juan Capistrano and Women's Health and Genetics/Laboratory Corporation of America, LabCorp); PubMed 31118792 (cited by Quest Diagnostics Nichols Institute San Juan Capistrano and Women's Health and Genetics/Laboratory Corporation of America, LabCorp); PubMed 37310942 (cited by Quest Diagnostics Nichols Institute San Juan Capistrano); PubMed 38023196 (cited by Quest Diagnostics Nichols Institute San Juan Capistrano); PubMed 33259954 (cited by 3 submitters); PubMed 35098669 (cited by Quest Diagnostics Nichols Institute San Juan Capistrano); PubMed 32642664 (cited by 4 submitters); PubMed 35884469 (cited by Quest Diagnostics Nichols Institute San Juan Capistrano); PubMed 28888541 (cited by Quest Diagnostics Nichols Institute San Juan Capistrano); PubMed 35273153 (cited by Quest Diagnostics Nichols Institute San Juan Capistrano); PubMed 26895986 (cited by All of Us Research Program, National Institutes of Health and Color Diagnostics, LLC DBA Color Health); PubMed 31433215 (cited by 3 submitters); PubMed 34285288 (cited by Color Diagnostics, LLC DBA Color Health).